The following is an entry in ClinVar:

ClinVar aggregate classification (germline): Uncertain significance (1 of 4 stars; one submission).

Conditions:
Beckwith-Wiedemann syndrome (BWS). Also called: Exomphalos macroglossia gigantism syndrome; EMG SYNDROME. Identifiers: Orphanet 116, MedGen C0004903, MONDO:0007534, OMIM 130650.

Allele frequency attached by ClinVar (database versions not stated): gnomAD exomes below 0.00001.
gnomAD v4.1: 3 of 1,480,446 alleles (0.0002%); highest among the groups gnomAD compares: Non-Finnish European, 0.00027%; no homozygotes.

Submission:

Labcorp Genetics (formerly Invitae), Labcorp
Classification: Uncertain significance for Beckwith-Wiedemann syndrome. Last evaluated: 2024-02-23. Review status: criteria provided, single submitter. Criteria: Invitae Variant Classification Sherloc (09022015). Collection method: clinical testing. Allele origin: germline.
Comment: This sequence change replaces lysine, which is basic and polar, with arginine, which is basic and polar, at codon 265 of the CDKN1C protein (p.Lys265Arg). This variant is not present in population databases (gnomAD no frequency). This variant has not been reported in the literature in individuals affected with CDKN1C-related conditions. ClinVar contains an entry for this variant (Variation ID: 864556). Advanced modeling of protein sequence and biophysical properties (such as structural, functional, and spatial information, amino acid conservation, physicochemical variation, residue mobility, and thermodynamic stability) performed at Invitae indicates that this missense variant is not expected to disrupt CDKN1C protein function with a negative predictive value of 80%. In summary, the available evidence is currently insufficient to determine the role of this variant in disease. Therefore, it has been classified as a Variant of Uncertain Significance.

NM_001122630.2(CDKN1C):c.761A>G (p.Lys254Arg)

Gene: CDKN1C (cyclin dependent kinase inhibitor 1C; minus strand). Cytogenetic location: 11p15.4.
Variant type: single nucleotide variant.
Coding change: c.761A>G on transcript NM_001122630.2 (MANE Select); coding-DNA position 761, A replaced by G.
Protein change: p.Lys254Arg; replaces lysine 254 with arginine.
Molecular consequence: missense variant. On other transcripts: intron variant (1).
Genome position (GRCh38, 1-based): chr11:2,884,696, T>C on the plus strand (A>G on the coding strand, the complement: CDKN1C is on the minus strand). VCF-style: chr11-2884696-T-C. GRCh37 (hg19) VCF-style: chr11-2905926-T-C.
Other names: c.794A>G, p.Lys265Arg (NM_000076.2, NM_001362474.2); c.761A>G, p.Lys254Arg (NM_001122631.2); c.255+506A>G (NM_001362475.2); short protein forms K254R, K265R.
Identifiers: ClinVar variation 864556 (VCV000864556.9), dbSNP rs1848916589, ClinGen allele CA379145566.
Genomic context (GRCh38, chr11:2,884,696, plus strand): 5'-GGGCCGGGCCGGGGCGGGGCCGTGCGGGGCTCACCGGAGATCAGAGGCCCGGACAGCTTC[T>C]TGATCGCCGCGCCGTTGGCGCTGGCGGCCGCGGTGCCGGCCGCGGGACGTCCCGAAATCC-3'
Protein context (NP_001116102.1, residues 244-264): AAASANGAAI[Lys254Arg]KLSGPLISDF